The following is an entry in ClinVar:

ClinVar aggregate classification (germline): Likely benign. Review status: criteria provided, multiple submitters, no conflicts (2 of 4 stars). 2 submissions from 2 submitters: Likely benign (2). Last evaluated 2026-07-20.

Conditions:
RS1-related disorder. Also called: RS1-related condition.

Allele frequency attached by ClinVar (database versions not stated): ExAC 0.00002; gnomAD 0.00002 and 0.00003.
gnomAD v4.1: 51 of 1,198,216 alleles (0.0043%); highest among the groups gnomAD compares: Non-Finnish European, 0.0051%; no homozygotes.

Submissions (2):

PreventionGenetics, part of Exact Sciences
Classification: Likely benign for RS1-related condition. Last evaluated: 2026-07-20. Review status: criteria provided, single submitter. Criteria: ACMG Guidelines, 2015. Collection method: clinical testing. Allele origin: germline.
Comment: This variant is classified as likely benign based on ACMG/AMP sequence variant interpretation guidelines (Richards et al. 2015 PMID: 25741868, with internal and published modifications).

Labcorp Genetics (formerly Invitae), Labcorp
Classification: Likely benign. Last evaluated: 2025-05-29. Review status: criteria provided, single submitter. Criteria: Invitae Variant Classification Sherloc (09022015). Collection method: clinical testing. Allele origin: germline.

NM_000330.4(RS1):c.75C>T (p.Thr25=)

Gene: RS1 (retinoschisin 1; minus strand). Cytogenetic location: Xp22.13.
Variant type: single nucleotide variant.
Coding change: c.75C>T on transcript NM_000330.4 (MANE Select); coding-DNA position 75, C replaced by T.
Protein change: p.Thr25=; no amino-acid change (threonine 25 retained).
Molecular consequence: synonymous variant.
Genome position (GRCh38, 1-based): chrX:18,657,643, G>A on the plus strand (C>T on the coding strand, the complement: RS1 is on the minus strand). VCF-style: chrX-18657643-G-A. GRCh37 (hg19) VCF-style: chrX-18675763-G-A.
Other names: c.75C>T (NM_000330.3).
Identifiers: ClinVar variation 1140967 (VCV001140967.10), dbSNP rs747107504, ClinGen allele CA10360820.
Genomic context (GRCh38, chrX:18,657,643, plus strand): 5'-AGGAAAATTTTCAAAAGTACTATGCATGTACATTACAGCCTTCTTACTGTTACATACCTC[G>A]GTAGACGATAATCCCAATGTGGCTAAAGCAAAAGGATGAGACAGAAAAAATCTAATTAAT-3'
Protein context (NP_000321.1, residues 15-35): GYEATLGLSS[Thr25=]EDEGEDPWYQ